The following is an entry in ClinVar:

NM_182961.4(SYNE1):c.16110C>A (p.His5370Gln)

Gene: SYNE1 (spectrin repeat containing nuclear envelope protein 1; minus strand). Cytogenetic location: 6q25.2.
Variant type: single nucleotide variant.
Coding change: c.16110C>A on transcript NM_182961.4 (MANE Select); coding-DNA position 16110, C replaced by A.
Protein change: p.His5370Gln; replaces histidine 5370 with glutamine.
Molecular consequence: missense variant.
Genome position (GRCh38, 1-based): chr6:152,321,364, G>T on the plus strand (C>A on the coding strand, the complement: SYNE1 is on the minus strand). VCF-style: chr6-152321364-G-T. GRCh37 (hg19) VCF-style: chr6-152642499-G-T.
Other names: c.15897C>A, p.His5299Gln (NM_033071.5); short protein forms H5299Q, H5370Q.
Identifiers: ClinVar variation 355860 (VCV000355860.25), dbSNP rs138277154, ClinGen allele CA4055607.

ClinVar aggregate classification (germline): Conflicting classifications of pathogenicity. Review status: criteria provided, conflicting classifications (1 of 4 stars). 7 submissions from 6 submitters: Uncertain significance (1); Benign (3); Likely benign (2). 1 of the submissions does not count toward it. Last evaluated 2026-01-27.

Conditions:
SYNE1-related disorder. Also called: SYNE1-related disorders; SYNE1-related disease; SYNE1-related condition.
Emery-Dreifuss muscular dystrophy 4, autosomal dominant (EDMD4). Also called: EMERY-DREIFUSS MUSCULAR DYSTROPHY 4 WITH VARIABLE FEATURES. Identifiers: Orphanet 261, MedGen C2751807, MONDO:0013071, OMIM 612998.
Autosomal recessive ataxia, Beauce type. Also called: SYNE1 Deficiency; SYNE1-Related Autosomal Recessive Cerebellar Ataxia; Spinocerebellar ataxia, autosomal recessive 8; ATAXIA, RECESSIVE, OF BEAUCE. Identifiers: Orphanet 88644, MedGen C1853116, MONDO:0012549, OMIM 610743.

Allele frequency attached by ClinVar (database versions not stated): gnomAD exomes 0.00016 and 0.00035; gnomAD 0.00026 and 0.00029; TOPMed 0.00028; ExAC 0.00029; ESP Exome Variant Server 0.00031.
gnomAD v4.1: 299 of 1,613,692 alleles (0.019%); highest among the groups gnomAD compares: Admixed American, 0.037%; 5 homozygotes.

Submissions (7):

Labcorp Genetics (formerly Invitae), Labcorp
Classification: Benign for Emery-Dreifuss muscular dystrophy 4, autosomal dominant; Autosomal recessive ataxia, Beauce type. Last evaluated: 2026-01-27. Review status: criteria provided, single submitter. Criteria: Invitae Variant Classification Sherloc (09022015). Collection method: clinical testing. Allele origin: germline.

Revvity Omics, Revvity
Classification: Likely benign. Last evaluated: 2023-03-06. Review status: criteria provided, single submitter. Criteria: ACMG Guidelines, 2015. Collection method: clinical testing. Allele origin: germline.

GeneDx
Classification: Likely benign. Last evaluated: 2021-05-05. Review status: criteria provided, single submitter. Criteria: GeneDx Variant Classification Process June 2021. Collection method: clinical testing. Allele origin: germline. Affected: yes.
Comment: In silico analysis supports that this missense variant has a deleterious effect on protein structure/function; Has not been previously published as pathogenic or benign to our knowledge

Athena Diagnostics
Classification: Benign. Last evaluated: 2019-11-07. Review status: criteria provided, single submitter. Criteria: Athena Diagnostics Criteria. Collection method: clinical testing. Allele origin: unknown.

Illumina Laboratory Services, Illumina
Classification: Benign for Emery-Dreifuss muscular dystrophy 4, autosomal dominant. Last evaluated: 2018-01-12. Review status: criteria provided, single submitter. Criteria: ICSL Variant Classification Criteria 13 December 2019. Collection method: clinical testing. Allele origin: germline.
Comment: This variant was observed in the ICSL laboratory as part of a predisposition screen in an ostensibly healthy population. It had not been previously curated by ICSL or reported in the Human Gene Mutation Database (HGMD: prior to June 1st, 2018), and was therefore a candidate for classification through an automated scoring system. Utilizing variant allele frequency, disease prevalence and penetrance estimates, and inheritance mode, an automated score was calculated to assess if this variant is too frequent to cause the disease. Based on the score and internal cut-off values, a variant classified as benign is not then subjected to further curation. The score for this variant resulted in a classification of benign for this disease.

Illumina Laboratory Services, Illumina
Classification: Uncertain significance for Autosomal recessive ataxia, Beauce type. Last evaluated: 2018-01-12. Review status: criteria provided, single submitter. Criteria: ICSL Variant Classification Criteria 13 December 2019. Collection method: clinical testing. Allele origin: germline.

PreventionGenetics, part of Exact Sciences
Classification: Likely benign for SYNE1-related condition. Last evaluated: 2020-03-13. Review status: no assertion criteria provided. Collection method: clinical testing. Allele origin: germline. Not counted in ClinVar's aggregate classification.
Comment: This variant is classified as likely benign based on ACMG/AMP sequence variant interpretation guidelines (Richards et al. 2015 PMID: 25741868, with internal and published modifications).